The following is an entry in ClinVar:

NM_033641.4(COL4A6):c.4489G>A (p.Val1497Met)

Gene: COL4A6 (collagen type IV alpha 6 chain; minus strand). Cytogenetic location: Xq22.3.
Variant type: single nucleotide variant.
Coding change: c.4489G>A on transcript NM_033641.4 (MANE Select); coding-DNA position 4489, G replaced by A.
Protein change: p.Val1497Met; replaces valine 1497 with methionine.
Molecular consequence: missense variant.
Genome position (GRCh38, 1-based): chrX:108,160,499, C>T on the plus strand (G>A on the coding strand, the complement: COL4A6 is on the minus strand). VCF-style: chrX-108160499-C-T. GRCh37 (hg19) VCF-style: chrX-107403729-C-T.
Other names: c.4540G>A, p.Val1514Met (NM_001287758.2); c.4417G>A, p.Val1473Met (NM_001287759.2); c.4318G>A, p.Val1440Met (NM_001287760.2); c.4492G>A, p.Val1498Met (NM_001847.4); short protein forms V1440M, V1473M, V1497M, V1498M, V1514M.
Identifiers: ClinVar variation 4797769 (VCV004797769.1).
Genomic context (GRCh38, chrX:108,160,499, plus strand): 5'-CTGGCTGTCAGAGCTGGTACCTACCCAGGTCCTGGTTGTGGGCTTTCTCTTGCCCCTCCA[C>T]AAACAGTAAGCTGTACCCCACCCACAGCTGGCTCATCCCGATGGGACACGGGGGCACCTG-3'
Protein context (NP_378667.1, residues 1487-1507): QLWVGYSLLF[Val1497Met]EGQEKAHNQD

ClinVar aggregate classification (germline): Uncertain significance (1 of 4 stars; one submission).

Submission:

Labcorp Genetics (formerly Invitae), Labcorp
Classification: Uncertain significance. Last evaluated: 2026-01-04. Review status: criteria provided, single submitter. Criteria: Invitae Variant Classification Sherloc (09022015). Collection method: clinical testing. Allele origin: germline.
Comment: This sequence change replaces valine, which is neutral and non-polar, with methionine, which is neutral and non-polar, at codon 1498 of the COL4A6 protein (p.Val1498Met). This variant is not present in population databases (gnomAD no frequency). This variant has not been reported in the literature in individuals affected with COL4A6-related conditions. Invitae Evidence Modeling of protein sequence and biophysical properties (such as structural, functional, and spatial information, amino acid conservation, physicochemical variation, residue mobility, and thermodynamic stability) indicates that this missense variant is not expected to disrupt COL4A6 protein function with a negative predictive value of 80%. In summary, the available evidence is currently insufficient to determine the role of this variant in disease. Therefore, it has been classified as a Variant of Uncertain Significance.